The following is an entry in ClinVar:

NM_002439.5(MSH3):c.1527C>G (p.Tyr509Ter)

Gene: MSH3 (mutS homolog 3; plus strand). Cytogenetic location: 5q14.1.
Variant type: single nucleotide variant.
Coding change: c.1527C>G on transcript NM_002439.5 (MANE Select); coding-DNA position 1527, C replaced by G.
Protein change: p.Tyr509Ter; replaces tyrosine 509 with a stop codon.
Molecular consequence: nonsense.
Genome position (GRCh38, 1-based): chr5:80,728,924, C>G. VCF-style: chr5-80728924-C-G. GRCh37 (hg19) VCF-style: chr5-80024743-C-G.
Other names: short protein forms Y509*.
Identifiers: ClinVar variation 2673504 (VCV002673504.1), dbSNP rs764435977, ClinGen allele CA360274295.

ClinVar aggregate classification (germline): Pathogenic (1 of 4 stars; one submission).

Conditions:
Familial adenomatous polyposis 4 (FAP4). Also called: MSH3-related attenuated familial adenomatous polyposis. Identifiers: Orphanet 480536, MedGen C4310719, MONDO:0044300, OMIM 617100.

Allele frequency attached by ClinVar (database versions not stated): TOPMed below 0.00001.

Submission:

Myriad Genetics, Inc.
Classification: Pathogenic for Familial adenomatous polyposis 4. Last evaluated: 2023-08-30. Review status: criteria provided, single submitter. Criteria: Myriad Autosomal Dominant, Autosomal Recessive and X-Linked Classification Criteria (2023). Collection method: clinical testing. Allele origin: unknown.
Comment: This variant is considered pathogenic. This variant creates a termination codon and is predicted to result in premature protein truncation.